The following is an entry in ClinVar:

NM_004006.3(DMD):c.5407C>T (p.Gln1803Ter)

Gene: DMD (dystrophin; minus strand). Cytogenetic location: Xp21.1.
Variant type: single nucleotide variant.
Coding change: c.5407C>T on transcript NM_004006.3 (MANE Select); coding-DNA position 5407, C replaced by T.
Protein change: p.Gln1803Ter; replaces glutamine 1803 with a stop codon.
Molecular consequence: nonsense.
Genome position (GRCh38, 1-based): chrX:32,348,447, G>A on the plus strand (C>T on the coding strand, the complement: DMD is on the minus strand). VCF-style: chrX-32348447-G-A. GRCh37 (hg19) VCF-style: chrX-32366564-G-A.
Other names: NM_004006.3(DMD):c.5407C>T; p.Gln1803Ter; c.5383C>T, p.Gln1795Ter (NM_000109.4); c.5395C>T, p.Gln1799Ter (NM_004009.3); c.5038C>T, p.Gln1680Ter (NM_004010.3); c.1384C>T, p.Gln462Ter (NM_004011.4); c.1375C>T, p.Gln459Ter (NM_004012.4); short protein forms Q1803*, Q1680*, Q1799*, Q462*, Q1795*, Q459*.
Identifiers: ClinVar variation 499610 (VCV000499610.13), dbSNP rs1557294228, ClinGen allele CA412667762.

ClinVar aggregate classification (germline): Pathogenic. Review status: criteria provided, multiple submitters, no conflicts (2 of 4 stars). 4 submissions from 4 submitters: Pathogenic (4). Last evaluated 2026-02-01.

Conditions:
Becker muscular dystrophy, Cardiomyopathy, Duchenne muscular dystrophy, Dystrophin deficiency.
Duchenne muscular dystrophy (DMD). Also called: MUSCULAR DYSTROPHY, PSEUDOHYPERTROPHIC PROGRESSIVE, DUCHENNE TYPE; Duchenne Muscular Dystrophy (DMD). Identifiers: Orphanet 98896, MedGen C0013264, MONDO:0010679, OMIM 310200.

Submissions (4):

CeGaT Center for Human Genetics Tuebingen
Classification: Pathogenic. Last evaluated: 2026-02-01. Review status: criteria provided, single submitter. Criteria: CeGaT Center For Human Genetics Tuebingen Variant Classification Criteria Version 2. Collection method: clinical testing. Allele origin: germline. Affected: yes. Observed: 1 variant allele.
Comment: DMD: PVS1, PM2

Natera, Inc.
Classification: Pathogenic for Becker muscular dystrophy, Cardiomyopathy, Duchenne muscular dystrophy, Dystrophin deficiency. Last evaluated: 2025-07-18. Review status: criteria provided, single submitter. Criteria: Natera Variant Classification Schema (03/2026). Collection method: clinical testing. Allele origin: germline.
Comment: The c.5407C>T variant in DMD is a nonsense variant predicted to introduce a stop codon at amino acid 1803. This variant is expected to result in nonsense mediated decay, truncation, or a dysfunctional protein product. This variant is rare in the general population with a frequency below the threshold expected for the associated phenotype(s). This variant has been observed in affected individual(s) with monoallelic occurrence (heterozygous/hemizygous) (PMID: 28859693). Functional studies show that this variant may disrupt protein function (PMID: 31919629). Given the available evidence, this variant is classified as Pathogenic.

Broad Center for Mendelian Genomics, Broad Institute of MIT and Harvard
Classification: Pathogenic for Duchenne muscular dystrophy. Last evaluated: 2023-05-02. Review status: criteria provided, single submitter. Criteria: ACMG Guidelines, 2015. Collection method: curation. Allele origin: germline. Inheritance: X-linked inheritance.
Comment: The p.Gln1803Ter variant in DMD has been previously reported in at least 6 unrelated individuals with DMD-associated muscular dystrophy (PMID: 32813700, PMID: 31919629). The number of reported affected individuals with this variant is greater than expected compared to non-affected individuals with this variant. This variant has also been reported in ClinVar (Variation ID: 499610) and has been interpreted as pathogenic by Eurofins NTD LLC (GA). This variant was absent from large population studies. In vitro functional studies provide some evidence that the p.Gln1803Ter variant may slightly impact protein function (PMID: 31919629). However, these types of assays may not accurately represent biological function. This nonsense variant leads to a premature termination codon at position 1803, which is predicted to lead to a truncated or absent protein. Loss of function of the DMD gene is an established disease mechanism in X-linked DMD-associated muscular dystrophy. In summary, this variant meets criteria to be classified as pathogenic for X-linked DMD-associated muscular dystrophy. ACMG/AMP Criteria applied: PVS1, PS3_Supporting, PS4, PM2_Supporting (Richards 2015).

Eurofins Ntd Llc (ga)
Classification: Pathogenic. Last evaluated: 2017-01-11. Review status: criteria provided, single submitter. Criteria: EGL Classification Definitions 2015. Collection method: clinical testing. Allele origin: germline. Observed: 4 variant alleles, 4 hemizygotes.

Literature cited by the submitters: PubMed 28859693 (cited by Natera, Inc.); PubMed 31919629 (cited by Natera, Inc.).